The following is an entry in ClinVar:

ClinVar aggregate classification (germline): Uncertain significance. Review status: criteria provided, multiple submitters, no conflicts (2 of 4 stars). 2 submissions from 2 submitters: Uncertain significance (2). Last evaluated 2024-12-02.

Conditions:
Epidermolysis bullosa simplex 5B, with muscular dystrophy (EBS5B). Also called: Epidermolysis bullosa simplex with muscular dystrophy; EPIDERMOLYSIS BULLOSA SIMPLEX AND LIMB-GIRDLE MUSCULAR DYSTROPHY. Identifiers: Orphanet 257, MedGen C2931072, MONDO:0009181, OMIM 226670.
Epidermolysis bullosa simplex 5C, with pyloric atresia (EBS5C). Also called: PLEC1-Related Epidermolysis Bullosa with Pyloric Atresia; PLEC-Related Epidermolysis Bullosa with Pyloric Atresia; Epidermolysis bullosa simplex with pyloric atresia. Identifiers: Orphanet 158684, MedGen C2677349, MONDO:0012807, OMIM 612138.
Autosomal recessive limb-girdle muscular dystrophy type 2Q (LGMDR17). Also called: MUSCULAR DYSTROPHY, LIMB-GIRDLE, AUTOSOMAL RECESSIVE 17. Identifiers: Orphanet 254361, MedGen C3150989, MONDO:0013390, OMIM 613723.
Epidermolysis bullosa simplex, Ogna type (EBS5A). Also called: Pidermolysis bullosa simplex 5A, Ogna type; EPIDERMOLYSIS BULLOSA SIMPLEX 5A, OGNA TYPE. Identifiers: Orphanet 79401, MedGen C0432317, MONDO:0007555, OMIM 131950.
Epidermolysis bullosa simplex with nail dystrophy (EBS5D). Identifiers: MedGen C4225309, MONDO:0014661, OMIM 616487.
Inborn genetic diseases. Identifiers: MedGen C0950123, MeSH D030342.

Allele frequency attached by ClinVar (database versions not stated): gnomAD exomes below 0.00001; gnomAD 0.00001.
gnomAD v4.1: 6 of 1,612,388 alleles (0.00037%); highest among the groups gnomAD compares: African/African-American, 0.0027%; no homozygotes.

Submissions (2):

Labcorp Genetics (formerly Invitae), Labcorp
Classification: Uncertain significance for Autosomal recessive limb-girdle muscular dystrophy type 2Q; Epidermolysis bullosa simplex, Ogna type; Epidermolysis bullosa simplex with nail dystrophy; Epidermolysis bullosa simplex 5C, with pyloric atresia; Epidermolysis bullosa simplex 5B, with muscular dystrophy. Last evaluated: 2024-12-02. Review status: criteria provided, single submitter. Criteria: Invitae Variant Classification Sherloc (09022015). Collection method: clinical testing. Allele origin: germline.
Comment: This sequence change replaces arginine, which is basic and polar, with histidine, which is basic and polar, at codon 4166 of the PLEC protein (p.Arg4166His). The frequency data for this variant in the population databases is considered unreliable, as metrics indicate poor data quality at this position in the gnomAD database. This variant has not been reported in the literature in individuals affected with PLEC-related conditions. ClinVar contains an entry for this variant (Variation ID: 1390574). Invitae Evidence Modeling of protein sequence and biophysical properties (such as structural, functional, and spatial information, amino acid conservation, physicochemical variation, residue mobility, and thermodynamic stability) indicates that this missense variant is not expected to disrupt PLEC protein function with a negative predictive value of 80%. In summary, the available evidence is currently insufficient to determine the role of this variant in disease. Therefore, it has been classified as a Variant of Uncertain Significance.

Ambry Genetics
Classification: Uncertain significance for Inborn genetic diseases. Last evaluated: 2022-06-24. Review status: criteria provided, single submitter. Criteria: Ambry Variant Classification Scheme 2023. Collection method: clinical testing. Allele origin: germline.

NM_201384.3(PLEC):c.12416G>A (p.Arg4139His)

Gene: PLEC (plectin; minus strand). Cytogenetic location: 8q24.3.
Variant type: single nucleotide variant.
Coding change: c.12416G>A on transcript NM_201384.3 (MANE Select); coding-DNA position 12416, G replaced by A.
Protein change: p.Arg4139His; replaces arginine 4139 with histidine.
Molecular consequence: missense variant.
Genome position (GRCh38, 1-based): chr8:143,917,405, C>T on the plus strand (G>A on the coding strand, the complement: PLEC is on the minus strand). VCF-style: chr8-143917405-C-T. GRCh37 (hg19) VCF-style: chr8-144991573-C-T.
Other names: c.12497G>A, p.Arg4166His (NM_000445.5); c.12374G>A, p.Arg4125His (NM_201378.4); c.12350G>A, p.Arg4117His (NM_201379.3); c.12827G>A, p.Arg4276His (NM_201380.4); c.12320G>A, p.Arg4107His (NM_201381.3); c.12416G>A, p.Arg4139His (NM_201382.4); c.12428G>A, p.Arg4143His (NM_201383.3); c.12497G>A (NM_000445.3); short protein forms R4107H, R4166H, R4276H, R4125H, R4143H, R4117H, R4139H.
Identifiers: ClinVar variation 1390574 (VCV001390574.9), dbSNP rs1554671990, ClinGen allele CA372482080.
Genomic context (GRCh38, chr8:143,917,405, plus strand): 5'-CGGTAGGCCTCGTACACTGACATCTCCTTGCCCGTCTCGGGGTCCACGATGACCACTCGG[C>T]GCTTGCGCACGGAGGACTTGGAGGACGTCTTCCGCTCCCGCTTCTTCTCCTTCAGCGGCA-3'
Protein context (NP_958786.1, residues 4129-4149): KTSSKSSVRK[Arg4139His]RVVIVDPETG